The following is an entry in ClinVar:

ClinVar aggregate classification (germline): Likely benign. Review status: criteria provided, multiple submitters, no conflicts (2 of 4 stars). 4 submissions from 4 submitters: Likely benign (4). Last evaluated 2025-10-02.

Conditions:
CYP27A1-related disorder. Also called: CYP27A1-related condition.
Cardiovascular phenotype. Identifiers: MedGen CN230736.
Cholestanol storage disease (CTX). Also called: Cerebrotendinous Xanthomatosis; CEREBRAL CHOLESTERINOSIS; CTX: Cerebrotendinous xanthomatosis. Identifiers: Orphanet 909, MedGen C0238052, MONDO:0008948, OMIM 213700.

Allele frequency attached by ClinVar (database versions not stated): gnomAD below 0.00001 and 0.00001; gnomAD exomes 0.00003; ExAC 0.00017.
gnomAD v4.1: 46 of 1,591,242 alleles (0.0029%); highest among the groups gnomAD compares: South Asian, 0.049%; 1 homozygote.

Submissions (4):

Labcorp Genetics (formerly Invitae), Labcorp
Classification: Likely benign for Cholestanol storage disease. Last evaluated: 2025-10-02. Review status: criteria provided, single submitter. Criteria: Invitae Variant Classification Sherloc (09022015). Collection method: clinical testing. Allele origin: germline.

PreventionGenetics, part of Exact Sciences
Classification: Likely benign for CYP27A1-related condition. Last evaluated: 2025-06-10. Review status: criteria provided, single submitter. Criteria: ACMG Guidelines, 2015. Collection method: clinical testing. Allele origin: germline.
Comment: This variant is classified as likely benign based on ACMG/AMP sequence variant interpretation guidelines (Richards et al. 2015 PMID: 25741868, with internal and published modifications).

Ambry Genetics
Classification: Likely benign for Cardiovascular phenotype. Last evaluated: 2024-09-24. Review status: criteria provided, single submitter. Criteria: Ambry Variant Classification Scheme 2023. Collection method: clinical testing. Allele origin: germline.

CeGaT Center for Human Genetics Tuebingen
Classification: Likely benign. Last evaluated: 2018-01-01. Review status: criteria provided, single submitter. Criteria: CeGaT Center For Human Genetics Tuebingen Variant Classification Criteria Version 2. Collection method: clinical testing. Allele origin: germline. Affected: yes. Observed: 1 variant allele.

NM_000784.4(CYP27A1):c.102C>T (p.Ala34=)

Gene: CYP27A1 (cytochrome P450 family 27 subfamily A member 1; plus strand). Cytogenetic location: 2q35.
Variant type: single nucleotide variant.
Coding change: c.102C>T on transcript NM_000784.4 (MANE Select); coding-DNA position 102, C replaced by T.
Protein change: p.Ala34=; no amino-acid change (alanine 34 retained).
Molecular consequence: synonymous variant.
Genome position (GRCh38, 1-based): chr2:218,782,284, C>T. VCF-style: chr2-218782284-C-T. GRCh37 (hg19) VCF-style: chr2-219647007-C-T.
Other names: c.102C>T (NM_000784.3).
Identifiers: ClinVar variation 546890 (VCV000546890.49), dbSNP rs773208703, ClinGen allele CA2112514.